The following is an entry in ClinVar:

ClinVar aggregate classification (germline): Uncertain significance (1 of 4 stars; one submission).

Conditions:
Hereditary cancer-predisposing syndrome. Also called: Neoplastic Syndromes, Hereditary; Tumor predisposition; Hereditary Cancer Syndrome; Hereditary neoplastic syndrome. Identifiers: Orphanet 140162, MedGen C0027672, MeSH D009386, MONDO:0015356.

gnomAD v4.1: 2 of 1,614,184 alleles (0.00012%); highest among the groups gnomAD compares: Non-Finnish European, 0.00017%; no homozygotes.

Submission:

Ambry Genetics
Classification: Uncertain significance for Hereditary cancer-predisposing syndrome. Last evaluated: 2022-08-11. Review status: criteria provided, single submitter. Criteria: Ambry Variant Classification Scheme 2023. Collection method: clinical testing. Allele origin: germline.
Comment: The p.C135Y variant (also known as c.404G>A), located in coding exon 3 of the EPCAM gene, results from a G to A substitution at nucleotide position 404. The cysteine at codon 135 is replaced by tyrosine, an amino acid with highly dissimilar properties. This amino acid position is conserved. In addition, this alteration is predicted to be deleterious by in silico analysis. Since supporting evidence is limited at this time, the clinical significance of this alteration remains unclear.

NM_002354.3(EPCAM):c.404G>A (p.Cys135Tyr)

Gene: EPCAM (epithelial cell adhesion molecule; plus strand). Cytogenetic location: 2p21.
Variant type: single nucleotide variant.
Coding change: c.404G>A on transcript NM_002354.3 (MANE Select); coding-DNA position 404, G replaced by A.
Protein change: p.Cys135Tyr; replaces cysteine 135 with tyrosine.
Molecular consequence: missense variant.
Genome position (GRCh38, 1-based): chr2:47,374,027, G>A. VCF-style: chr2-47374027-G-A. GRCh37 (hg19) VCF-style: chr2-47601166-G-A.
Other names: short protein forms C135Y.
Identifiers: ClinVar variation 1737355 (VCV001737355.2), dbSNP rs1671357379, ClinGen allele CA346723474.